The following is an entry in ClinVar:

ClinVar aggregate classification (germline): Uncertain significance (1 of 4 stars; one submission).

Conditions:
Inborn genetic diseases. Identifiers: MedGen C0950123, MeSH D030342.

Submission:

Ambry Genetics
Classification: Uncertain significance for Inborn genetic diseases. Last evaluated: 2025-10-14. Review status: criteria provided, single submitter. Criteria: Ambry Variant Classification Scheme 2023. Collection method: clinical testing. Allele origin: germline.
Comment: The p.P255S variant (also known as c.763C>T), located in coding exon 9 of the ASXL1 gene, results from a C to T substitution at nucleotide position 763. The proline at codon 255 is replaced by serine, an amino acid with similar properties. This amino acid position is conserved. In addition, this alteration is predicted to be deleterious by in silico analysis. Based on the available evidence, the clinical significance of this variant remains unclear.

NM_015338.6(ASXL1):c.763C>T (p.Pro255Ser)

Gene: ASXL1 (ASXL transcriptional regulator 1; plus strand). Cytogenetic location: 20q11.21.
Variant type: single nucleotide variant.
Coding change: c.763C>T on transcript NM_015338.6 (MANE Select); coding-DNA position 763, C replaced by T.
Protein change: p.Pro255Ser; replaces proline 255 with serine.
Molecular consequence: missense variant.
Genome position (GRCh38, 1-based): chr20:32,431,365, C>T. VCF-style: chr20-32431365-C-T. GRCh37 (hg19) VCF-style: chr20-31019168-C-T.
Other names: c.580C>T, p.Pro194Ser (NM_001363734.1); short protein forms P255S, P194S.
Identifiers: ClinVar variation 4587849 (VCV004587849.1).
Genomic context (GRCh38, chr20:32,431,365, plus strand): 5'-GCTTCAAAAATCATAGGTCAAATGAAGCGCAACAGAGGGGAAGAAATAGATTTTGAGACA[C>T]CTGGGTCCATTCTTGTCAACACCAACCTCCGTGCCCTGATCAACTCTCGGACCTTCCATG-3'
Protein context (NP_056153.2, residues 245-265): NRGEEIDFET[Pro255Ser]GSILVNTNLR